The following is an entry in ClinVar:

NM_000020.3(ACVRL1):c.572C>T (p.Pro191Leu)

Gene: ACVRL1 (activin A receptor like type 1; plus strand). Cytogenetic location: 12q13.13.
Variant type: single nucleotide variant.
Coding change: c.572C>T on transcript NM_000020.3 (MANE Select); coding-DNA position 572, C replaced by T.
Protein change: p.Pro191Leu; replaces proline 191 with leucine.
Molecular consequence: missense variant. On other transcripts: intron variant (6).
Genome position (GRCh38, 1-based): chr12:51,914,020, C>T. VCF-style: chr12-51914020-C-T. GRCh37 (hg19) VCF-style: chr12-52307804-C-T.
Other names: c.572C>T, p.Pro191Leu (NM_001077401.2, NM_001406487.1, NM_001406488.1 and 1 more transcripts); c.314-419C>T (NM_001406491.1, NM_001406490.1, NM_001406492.1 and 2 more transcripts); c.62-419C>T (NM_001406495.1); short protein forms P191L.
Identifiers: ClinVar variation 4882778 (VCV004882778.2).

ClinVar aggregate classification (germline): Uncertain significance (1 of 4 stars; one submission).

Conditions:
Telangiectasia, hereditary hemorrhagic, type 2 (HHT2). Also called: ACVRL1-Related Hereditary Hemorrhagic Telangiectasia; Telangiectasia, hereditary hemorrhagic, type II. Identifiers: Orphanet 774, MedGen C1838163, MONDO:0010880, OMIM 600376. Disease mechanism: loss of function.

Submission:

Dasa
Classification: Uncertain significance for Telangiectasia, hereditary hemorrhagic, type 2. Last evaluated: 2025-11-17. Review status: criteria provided, single submitter. Criteria: DASA Assertion Criteria. Collection method: clinical testing. Allele origin: germline.
Comment: NM_000020.3(ACVRL1):c.572C>T (p.Pro191Leu) is a missense variant that results in the substitution of proline with leucine. This variant is absent from population databases. Computational prediction algorithms are consistent with a deleterious effect. The currently available literature and clinical evidence are not sufficient to establish a definitive association between this variant and the reported condition. Therefore, this variant is classified as a variant of uncertain significance.